The following is an entry in ClinVar:

NM_006440.5(TXNRD2):c.1121C>G (p.Ala374Gly)

Gene: TXNRD2 (thioredoxin reductase 2; minus strand). Cytogenetic location: 22q11.21.
Variant type: single nucleotide variant.
Coding change: c.1121C>G on transcript NM_006440.5 (MANE Select); coding-DNA position 1121, C replaced by G.
Protein change: p.Ala374Gly; replaces alanine 374 with glycine.
Molecular consequence: missense variant. On other transcripts: non-coding transcript variant (1).
Genome position (GRCh38, 1-based): chr22:19,880,683, G>C on the plus strand (C>G on the coding strand, the complement: TXNRD2 is on the minus strand). VCF-style: chr22-19880683-G-C. GRCh37 (hg19) VCF-style: chr22-19868206-G-C.
Other names: c.1118C>G, p.Ala373Gly (NM_001352300.2); c.1031C>G, p.Ala344Gly (NM_001352301.2); c.833C>G, p.Ala278Gly (NM_001352302.2); short protein forms A278G, A344G, A373G, A374G.
Identifiers: ClinVar variation 2578242 (VCV002578242.1), dbSNP rs867534955, ClinGen allele CA410681995.

ClinVar aggregate classification (germline): Uncertain significance (1 of 4 stars; one submission).

Allele frequency attached by ClinVar (database versions not stated): gnomAD exomes below 0.00001.
gnomAD v4.1: 2 of 1,613,316 alleles (0.00012%); highest among the groups gnomAD compares: Admixed American, 0.0017%; no homozygotes.

Submission:

GeneDx
Classification: Uncertain significance. Last evaluated: 2023-03-01. Review status: criteria provided, single submitter. Criteria: GeneDx Variant Classification Process June 2021. Collection method: clinical testing. Allele origin: germline. Affected: yes.
Comment: Not observed at significant frequency in large population cohorts (gnomAD); In silico analysis supports that this missense variant has a deleterious effect on protein structure/function; Has not been previously published as pathogenic or benign to our knowledge